The following is an entry in ClinVar:

ClinVar aggregate classification (germline): Pathogenic/Likely pathogenic. Review status: criteria provided, multiple submitters, no conflicts (2 of 4 stars). 2 submissions from 2 submitters: Pathogenic (1); Likely pathogenic (1). Last evaluated 2026-01-21.

Conditions:
Cortical dysplasia-focal epilepsy syndrome (PTHSL1). Also called: Pitt-Hopkins-like syndrome 1. Identifiers: Orphanet 163681, Orphanet 221150, MedGen C2750246, MONDO:0012400, OMIM 610042.

gnomAD v4.1: 30 of 1,614,086 alleles (0.0019%); highest among the groups gnomAD compares: Non-Finnish European, 0.0025%; no homozygotes.

Submissions (2):

Labcorp Genetics (formerly Invitae), Labcorp
Classification: Pathogenic for Cortical dysplasia-focal epilepsy syndrome. Last evaluated: 2026-01-21. Review status: criteria provided, single submitter. Criteria: Invitae Variant Classification Sherloc (09022015). Collection method: clinical testing. Allele origin: germline.
Comment: This sequence change creates a premature translational stop signal (p.Trp882*) in the CNTNAP2 gene. It is expected to result in an absent or disrupted protein product. Loss-of-function variants in CNTNAP2 are known to be pathogenic (PMID: 19896112, 21827697, 25045150, 26843181, 27439707). This variant is not present in population databases (gnomAD no frequency). This variant has not been reported in the literature in individuals affected with CNTNAP2-related conditions. ClinVar contains an entry for this variant (Variation ID: 1075757). For these reasons, this variant has been classified as Pathogenic.

GeneDx
Classification: Likely pathogenic. Last evaluated: 2025-06-16. Review status: criteria provided, single submitter. Criteria: GeneDx Variant Classification Process June 2021. Collection method: clinical testing. Allele origin: germline. Affected: yes.
Comment: Nonsense variant predicted to result in protein truncation or nonsense mediated decay in a gene for which loss of function is a known mechanism of disease; Not observed at significant frequency in large population cohorts (gnomAD); Has not been previously published as pathogenic or benign to our knowledge

Literature cited by the submitters: PubMed 19896112 (cited by Labcorp Genetics (formerly Invitae), Labcorp); PubMed 21827697 (cited by Labcorp Genetics (formerly Invitae), Labcorp); PubMed 25045150 (cited by Labcorp Genetics (formerly Invitae), Labcorp); PubMed 26843181 (cited by Labcorp Genetics (formerly Invitae), Labcorp); PubMed 27439707 (cited by Labcorp Genetics (formerly Invitae), Labcorp).

NM_014141.6(CNTNAP2):c.2646G>A (p.Trp882Ter)

Gene: CNTNAP2 (contactin associated protein 2; plus strand). Cytogenetic location: 7q35.
Variant type: single nucleotide variant.
Coding change: c.2646G>A on transcript NM_014141.6 (MANE Select); coding-DNA position 2646, G replaced by A.
Protein change: p.Trp882Ter; replaces tryptophan 882 with a stop codon.
Molecular consequence: nonsense.
Genome position (GRCh38, 1-based): chr7:148,147,582, G>A. VCF-style: chr7-148147582-G-A. GRCh37 (hg19) VCF-style: chr7-147844674-G-A.
Other names: short protein forms W882*.
Identifiers: ClinVar variation 1075757 (VCV001075757.10), dbSNP rs1247068015, ClinGen allele CA369928020.